The following is an entry in ClinVar:

ClinVar aggregate classification (germline): Pathogenic (1 of 4 stars; one submission).

Conditions:
Primary immunodeficiency with post-measles-mumps-rubella vaccine viral infection. Also called: Immunodeficiency 44. Identifiers: Orphanet 431166, MedGen C4225260, MONDO:0014715, OMIM 616636.

gnomAD v4.1: 10 of 1,613,966 alleles (0.00062%); highest among the groups gnomAD compares: African/African-American, 0.0013%; no homozygotes.

Submission:

Labcorp Genetics (formerly Invitae), Labcorp
Classification: Pathogenic for Primary immunodeficiency with post-measles-mumps-rubella vaccine viral infection. Last evaluated: 2024-08-19. Review status: criteria provided, single submitter. Criteria: Invitae Variant Classification Sherloc (09022015). Collection method: clinical testing. Allele origin: germline.
Comment: This sequence change creates a premature translational stop signal (p.Arg32*) in the STAT2 gene. It is expected to result in an absent or disrupted protein product. Loss-of-function variants in STAT2 are known to be pathogenic (PMID: 23391734, 26122121). This variant is present in population databases (rs769566394, gnomAD 0.02%). This variant has not been reported in the literature in individuals affected with STAT2-related conditions. Algorithms developed to predict the effect of sequence changes on RNA splicing suggest that this variant may disrupt the consensus splice site. For these reasons, this variant has been classified as Pathogenic.

Literature cited by the submitters: PubMed 23391734; PubMed 26122121.

NM_005419.4(STAT2):c.94C>T (p.Arg32Ter)

Gene: STAT2 (signal transducer and activator of transcription 2; minus strand). Cytogenetic location: 12q13.3.
Variant type: single nucleotide variant.
Coding change: c.94C>T on transcript NM_005419.4 (MANE Select); coding-DNA position 94, C replaced by T.
Protein change: p.Arg32Ter; replaces arginine 32 with a stop codon.
Molecular consequence: nonsense.
Genome position (GRCh38, 1-based): chr12:56,356,478, G>A on the plus strand (C>T on the coding strand, the complement: STAT2 is on the minus strand). VCF-style: chr12-56356478-G-A. GRCh37 (hg19) VCF-style: chr12-56750262-G-A.
Other names: c.94C>T, p.Arg32Ter (NM_001385110.1, NM_001385111.1, NM_001385113.1 and 3 more transcripts); short protein forms R32*.
Identifiers: ClinVar variation 3605839 (VCV003605839.2).